The following is an entry in ClinVar:

ClinVar aggregate classification (germline): Uncertain significance (1 of 4 stars; one submission).

Conditions:
Cardiovascular phenotype. Identifiers: MedGen CN230736.

Submission:

Ambry Genetics
Classification: Uncertain significance for Cardiovascular phenotype. Last evaluated: 2025-11-16. Review status: criteria provided, single submitter. Criteria: Ambry Variant Classification Scheme 2023. Collection method: clinical testing. Allele origin: germline.
Comment: The p.G198R variant (also known as c.592G>C), located in coding exon 6 of the SPRED1 gene, results from a G to C substitution at nucleotide position 592. The glycine at codon 198 is replaced by arginine, an amino acid with dissimilar properties. This amino acid position is conserved. In addition, this alteration is predicted to be tolerated by in silico analysis. Based on the available evidence, the clinical significance of this variant remains unclear.

NM_152594.3(SPRED1):c.592G>C (p.Gly198Arg)

Gene: SPRED1 (sprouty related EVH1 domain containing 1; plus strand). Cytogenetic location: 15q14.
Variant type: single nucleotide variant.
Coding change: c.592G>C on transcript NM_152594.3 (MANE Select); coding-DNA position 592, G replaced by C.
Protein change: p.Gly198Arg; replaces glycine 198 with arginine.
Molecular consequence: missense variant.
Genome position (GRCh38, 1-based): chr15:38,349,431, G>C. VCF-style: chr15-38349431-G-C. GRCh37 (hg19) VCF-style: chr15-38641632-G-C.
Other names: short protein forms G198R.
Identifiers: ClinVar variation 4615031 (VCV004615031.1).